The following is an entry in ClinVar:

ClinVar aggregate classification (germline): Uncertain significance (1 of 4 stars; one submission).

Allele frequency attached by ClinVar (database versions not stated): gnomAD exomes 0.00001; TOPMed 0.00001; gnomAD 0.00002; ExAC 0.00007; 1000 Genomes Project 30x 0.00016; 1000 Genomes Project 0.00020.
gnomAD v4.1: 23 of 1,612,926 alleles (0.0014%); highest among the groups gnomAD compares: Admixed American, 0.0083%; no homozygotes.

Submission:

Labcorp Genetics (formerly Invitae), Labcorp
Classification: Uncertain significance. Last evaluated: 2025-07-02. Review status: criteria provided, single submitter. Criteria: Invitae Variant Classification Sherloc (09022015). Collection method: clinical testing. Allele origin: germline.
Comment: This sequence change replaces alanine, which is neutral and non-polar, with threonine, which is neutral and polar, at codon 1330 of the TNS2 protein (p.Ala1330Thr). This variant is present in population databases (rs186397299, gnomAD 0.009%). This variant has not been reported in the literature in individuals affected with TNS2-related conditions. ClinVar contains an entry for this variant (Variation ID: 2137955). An algorithm developed to predict the effect of missense changes on protein structure and function (PolyPhen-2) suggests that this variant is likely to be tolerated. In summary, the available evidence is currently insufficient to determine the role of this variant in disease. Therefore, it has been classified as a Variant of Uncertain Significance.

NM_170754.4(TNS2):c.3958G>A (p.Ala1320Thr)

Gene: TNS2 (tensin 2; plus strand). Cytogenetic location: 12q13.13.
Variant type: single nucleotide variant.
Coding change: c.3958G>A on transcript NM_170754.4 (MANE Select); coding-DNA position 3958, G replaced by A.
Protein change: p.Ala1320Thr; replaces alanine 1320 with threonine.
Molecular consequence: missense variant.
Genome position (GRCh38, 1-based): chr12:53,063,223, G>A. VCF-style: chr12-53063223-G-A. GRCh37 (hg19) VCF-style: chr12-53457007-G-A.
Other names: c.3958G>A, p.Ala1320Thr (NM_001416202.1); c.3916G>A, p.Ala1306Thr (NM_001416203.1); c.3985G>A, p.Ala1329Thr (NM_001416204.1); c.3889G>A, p.Ala1297Thr (NM_015319.3); c.3586G>A, p.Ala1196Thr (NM_198316.2); short protein forms A1330T, A1196T, A1320T, A1297T, A1306T, A1329T.
Identifiers: ClinVar variation 2137955 (VCV002137955.4), dbSNP rs186397299, ClinGen allele CA6593034.
Genomic context (GRCh38, chr12:53,063,223, plus strand): 5'-TCTGCAGCTCTGAGCTGTAGCCCCCGCCCGACACCAGCTGTTGTCCACTTCAAGGTGTCA[G>A]CCCAGGGCATTACACTGACGGACAACCAAAGGAAGTATGTATACTCAGCCCTGTAGAACC-3'
Protein context (NP_736610.2, residues 1310-1330): TPAVVHFKVS[Ala1320Thr]QGITLTDNQR